The following is an entry in ClinVar:

NM_001374736.1(DST):c.20704C>A (p.Arg6902=)

Gene: DST (dystonin; minus strand). Cytogenetic location: 6p12.1.
Variant type: single nucleotide variant.
Coding change: c.20704C>A on transcript NM_001374736.1 (MANE Select); coding-DNA position 20704, C replaced by A.
Protein change: p.Arg6902=; no amino-acid change (arginine 6902 retained).
Molecular consequence: synonymous variant.
Genome position (GRCh38, 1-based): chr6:56,492,280, G>T on the plus strand (C>A on the coding strand, the complement: DST is on the minus strand). VCF-style: chr6-56492280-G-T. GRCh37 (hg19) VCF-style: chr6-56357078-G-T.
Other names: c.14347C>A, p.Arg4783= (NM_001144769.5); c.13933C>A, p.Arg4645= (NM_001144770.2); c.20704C>A, p.Arg6902= (NM_001374722.1); c.19744C>A, p.Arg6582= (NM_001374729.1); c.13486C>A, p.Arg4496= (NM_001374730.1); c.20731C>A, p.Arg6911= (NM_001374734.1); c.13813C>A, p.Arg4605= (NM_001386100.1, NM_183380.4); c.12835C>A, p.Arg4279= (NM_015548.5).
Identifiers: ClinVar variation 1973894 (VCV001973894.5), dbSNP rs754444028, ClinGen allele CA450488755.
Genomic context (GRCh38, chr6:56,492,280, plus strand): 5'-TTATTACCTGCTTGGCTCTCTTCCTTGCATCATCCAAAGATCTTCCTCTCTCTACCAACC[G>T]TTGAACCACTTTTTCCCATCGACTTTGTACACTGATAAGTAGATTCTTGATTAGAACAAC-3'
Protein context (NP_001361665.1, residues 6892-6912): VQSRWEKVVQ[Arg6902=]LVERGRSLDD

ClinVar aggregate classification (germline): Uncertain significance (1 of 4 stars; one submission).

Conditions:
Hereditary sensory and autonomic neuropathy type 6. Also called: Neuropathy, hereditary sensory and autonomic, type VI; HSAN VI. Identifiers: Orphanet 314381, MedGen C3539003, MONDO:0013839, OMIM 614653.
Epidermolysis bullosa simplex 3, localized or generalized intermediate, with BP230 deficiency (EBS3). Also called: Epidermolysis bullosa simplex, autosomal recessive 2; Epidermolysis bullosa simplex due to BP230 deficiency. Identifiers: Orphanet 412181, MedGen C3809470, MONDO:0014180, OMIM 615425.

Submission:

Labcorp Genetics (formerly Invitae), Labcorp
Classification: Uncertain significance for Epidermolysis bullosa simplex 3, localized or generalized intermediate, with BP230 deficiency; Hereditary sensory and autonomic neuropathy type 6. Last evaluated: 2023-08-04. Review status: criteria provided, single submitter. Criteria: Invitae Variant Classification Sherloc (09022015). Collection method: clinical testing. Allele origin: germline.
Comment: The DST gene has multiple clinically relevant transcripts. This variant occurs in alternate transcript NM_015548.4, and corresponds to NM_001723.5:c.*123237C>A in the primary transcript. This sequence change affects codon 4279 of the DST mRNA. It is a 'silent' change, meaning that it does not change the encoded amino acid sequence of the DST protein. This variant is not present in population databases (gnomAD no frequency). This variant has not been reported in the literature in individuals affected with DST-related conditions. Experimental studies and prediction algorithms are not available or were not evaluated, and the effect of this variant on mRNA splicing is currently unknown. In summary, the available evidence is currently insufficient to determine the role of this variant in disease. Therefore, it has been classified as a Variant of Uncertain Significance.